The following is an entry in ClinVar:

ClinVar aggregate classification (germline): Pathogenic (1 of 4 stars; one submission).

Submission:

Labcorp Genetics (formerly Invitae), Labcorp
Classification: Pathogenic. Last evaluated: 2023-02-24. Review status: criteria provided, single submitter. Criteria: Invitae Variant Classification Sherloc (09022015). Collection method: clinical testing. Allele origin: germline.
Comment: For these reasons, this variant has been classified as Pathogenic. This sequence change creates a premature translational stop signal (p.Gly136Valfs*29) in the GRHPR gene. It is expected to result in an absent or disrupted protein product. Loss-of-function variants in GRHPR are known to be pathogenic (PMID: 25644115). This variant has not been reported in the literature in individuals affected with GRHPR-related conditions. This variant is not present in population databases (gnomAD no frequency).

Literature cited by the submitters: PubMed 25644115.

NM_012203.2(GRHPR):c.407del (p.Gly136fs)

Gene: GRHPR (glyoxylate and hydroxypyruvate reductase; plus strand). Cytogenetic location: 9p13.2.
Variant type: Deletion.
Coding change: c.407del on transcript NM_012203.2 (MANE Select); coding-DNA position 407, one base deleted (G; older notation c.407delG).
Protein change: p.Gly136fs; shifts the reading frame from glycine 136.
Molecular consequence: frameshift variant.
Genome position (GRCh38, 1-based): chr9:37,428,486, G deleted; the last of 2 consecutive G bases (chr9:37,428,485-37,428,486); deleting either gives the same sequence. VCF-style (leftmost placement, unchanged base first): chr9-37428484-TG-T. GRCh37 (hg19) VCF-style: chr9-37428481-TG-T.
Other names: short protein forms G136fs.
Identifiers: ClinVar variation 2840606 (VCV002840606.3), dbSNP rs2489239934, ClinGen allele CA2739269210.
Genomic context (GRCh38, chr9:37,428,484, plus strand): 5'-CAGCGGCCCCCATCTTGGTCCAAGGCTGGGCCTCTCACCTGCCCCTCTCTCTCCCCTCAG[TG>T]GTGGCTGGACCTCGTGGAAGCCCCTCTGGCTGTGTGGCTATGGACTCACGCAGAGCACTG-3'